The following is an entry in ClinVar:

NM_001374828.1(ARID1B):c.2124C>A (p.Tyr708Ter)

Gene: ARID1B (AT-rich interaction domain 1B; plus strand). Cytogenetic location: 6q25.3.
Variant type: single nucleotide variant.
Coding change: c.2124C>A on transcript NM_001374828.1 (MANE Select); coding-DNA position 2124, C replaced by A.
Protein change: p.Tyr708Ter; replaces tyrosine 708 with a stop codon.
Molecular consequence: nonsense.
Genome position (GRCh38, 1-based): chr6:156,901,513, C>A. VCF-style: chr6-156901513-C-A. GRCh37 (hg19) VCF-style: chr6-157222647-C-A.
Other names: c.1875C>A, p.Tyr625Ter (NM_001346813.1); c.2163C>A, p.Tyr721Ter (NM_001371656.1, NM_001374820.1); c.2124C>A, p.Tyr708Ter (NM_017519.3); short protein forms Y625*, Y708*, Y721*.
Identifiers: ClinVar variation 545066 (VCV000545066.4), dbSNP rs751192841, ClinGen allele CA366380962.

ClinVar aggregate classification (germline): Pathogenic. Review status: criteria provided, multiple submitters, no conflicts (2 of 4 stars). 3 submissions from 3 submitters: Pathogenic (2). 1 of the submissions does not count toward it. Last evaluated 2025-05-23.

Conditions:
Coffin-Siris syndrome 1 (CSS1). Also called: ARID1B-Related Coffin-Siris Syndrome; Mental retardation, autosomal dominant 12. Identifiers: Orphanet 1465, MedGen C3281201, MONDO:0007617, OMIM 135900. Disease mechanism: gain of function.

Submissions (3):

3billion
Classification: Pathogenic for Coffin-Siris syndrome 1. Last evaluated: 2025-05-23. Review status: criteria provided, single submitter. Criteria: ACMG Guidelines, 2015. Collection method: clinical testing. Allele origin: germline. Affected: yes.
Comment: The variant is not observed in the gnomAD v4.1.0 dataset. Predicted Consequence/Location: Stop-gained (nonsense): predicted to result in a loss or disruption of normal protein function through nonsense-mediated decay (NMD) or protein truncation. Multiple pathogenic variants are reported downstream of the variant. The variant has been previously reported as de novo in a similarly affected individual (PMID: 25533962). The variant has been reported to be associated with ARID1B-related disorder (ClinVar ID: VCV000545066). Therefore, this variant is classified as Pathogenic according to the recommendation of ACMG/AMP guideline.

Genetics Laboratory, UDIAT-Centre Diagnòstic, Hospital Universitari Parc Tauli
Classification: Pathogenic. Last evaluated: 2021-04-26. Review status: criteria provided, single submitter. Criteria: Parc Tauli Hospital Assertion Criteria 2021. Collection method: clinical testing. Allele origin: de novo. Inheritance: Autosomal dominant inheritance. Affected: yes. Observed: 1 heterozygote.
Comment: PVS1_very strong;PM2_supporting;PM6_moderate;PP5_supporting

Laboratory of Molecular Genetics (Pr. Bezieau's lab), CHU de Nantes
Classification: Pathogenic. Last evaluated: 2017-04-10. Review status: no assertion criteria provided. Collection method: clinical testing. Allele origin: germline. Affected: yes. Not counted in ClinVar's aggregate classification.

Literature cited by the submitters: PubMed 25533962 (cited by 3billion).